The following is an entry in ClinVar:

NM_002392.6(MDM2):c.999G>T (p.Glu333Asp)

Gene: MDM2 (MDM2 proto-oncogene; plus strand). Cytogenetic location: 12q15.
Variant type: single nucleotide variant.
Coding change: c.999G>T on transcript NM_002392.6 (MANE Select); coding-DNA position 999, G replaced by T.
Protein change: p.Glu333Asp; replaces glutamic acid 333 with aspartic acid.
Molecular consequence: missense variant.
Genome position (GRCh38, 1-based): chr12:68,839,354, G>T. VCF-style: chr12-68839354-G-T. GRCh37 (hg19) VCF-style: chr12-69233134-G-T.
Other names: c.840G>T, p.Glu280Asp (NM_001145337.3); c.834G>T, p.Glu278Asp (NM_001145339.2); c.393G>T, p.Glu131Asp (NM_001145340.3); c.471G>T, p.Glu157Asp (NM_001278462.2); c.981G>T, p.Glu327Asp (NM_001367990.1); short protein forms E131D, E157D, E278D, E280D, E327D, E333D.
Identifiers: ClinVar variation 2415997 (VCV002415997.6), dbSNP rs377647994, ClinGen allele CA6678849.

ClinVar aggregate classification (germline): Uncertain significance (1 of 4 stars; one submission).

Conditions:
Accelerated tumor formation, susceptibility to (ACTFS). Identifiers: MedGen C3280690, OMIM 614401, MONDO:0013733.

Allele frequency attached by ClinVar (database versions not stated): gnomAD exomes 0.00001; ExAC 0.00003; gnomAD 0.00007; ESP Exome Variant Server 0.00008; TOPMed 0.00012; 1000 Genomes Project 30x 0.00016; 1000 Genomes Project 0.00020.
gnomAD v4.1: 24 of 1,613,930 alleles (0.0015%); highest among the groups gnomAD compares: African/African-American, 0.032%; no homozygotes.

Submission:

Labcorp Genetics (formerly Invitae), Labcorp
Classification: Uncertain significance for Accelerated tumor formation, susceptibility to. Last evaluated: 2023-10-20. Review status: criteria provided, single submitter. Criteria: Invitae Variant Classification Sherloc (09022015). Collection method: clinical testing. Allele origin: germline.
Comment: This sequence change replaces glutamic acid, which is acidic and polar, with aspartic acid, which is acidic and polar, at codon 333 of the MDM2 protein (p.Glu333Asp). This variant is present in population databases (rs377647994, gnomAD 0.03%). This variant has not been reported in the literature in individuals affected with MDM2-related conditions. ClinVar contains an entry for this variant (Variation ID: 2415997). An algorithm developed to predict the effect of missense changes on protein structure and function (PolyPhen-2) suggests that this variant is likely to be disruptive. In summary, the available evidence is currently insufficient to determine the role of this variant in disease. Therefore, it has been classified as a Variant of Uncertain Significance.